The following is an entry in ClinVar:

NC_000003.12:g.169764833C>A

Genes: TERC (telomerase RNA component; minus strand), LOC110806306 (telomerase RNA component (TERC) promoter; plus strand). Cytogenetic location: 3q26.2.
Variant type: single nucleotide variant.
Genome position: GRCh38 VCF-style: chr3-169764833-C-A. GRCh37 (hg19) VCF-style: chr3-169482621-C-A.
Identifiers: ClinVar variation 1996546 (VCV001996546.4), dbSNP rs141686314, ClinGen allele CA436715350.

ClinVar aggregate classification (germline): Uncertain significance (1 of 4 stars; one submission).

Conditions:
Dyskeratosis congenita, autosomal dominant 1 (DKCA1). Also called: Dyskeratosis congenita Scoggins type. Identifiers: Orphanet 1775, MedGen C4551974, MONDO:0007485, OMIM 127550. Inheritance: Variable.

Submission:

Labcorp Genetics (formerly Invitae), Labcorp
Classification: Uncertain significance for Dyskeratosis congenita, autosomal dominant 1. Last evaluated: 2022-05-19. Review status: criteria provided, single submitter. Criteria: Invitae Variant Classification Sherloc (09022015). Collection method: clinical testing. Allele origin: germline.
Comment: This variant occurs in the TERC gene, which encodes an RNA molecule that does not result in a protein product. This variant is not present in population databases (gnomAD no frequency). This variant has not been reported in the literature in individuals affected with TERC-related conditions. In summary, the available evidence is currently insufficient to determine the role of this variant in disease. Therefore, it has been classified as a Variant of Uncertain Significance. This variant is located within the BoxH/ACA scaRNA domain of the TERC RNA component, which is required for telomerase activity (PMID: 21844345).

Literature cited by the submitters: PubMed 21844345.